The following is an entry in ClinVar:

ClinVar aggregate classification (germline): Likely benign (1 of 4 stars; one submission).

Allele frequency attached by ClinVar (database versions not stated): ExAC 0.00003; gnomAD exomes 0.00003; gnomAD 0.00004.

Submission:

CeGaT Center for Human Genetics Tuebingen
Classification: Likely benign. Last evaluated: 2023-02-01. Review status: criteria provided, single submitter. Criteria: CeGaT Center For Human Genetics Tuebingen Variant Classification Criteria Version 2. Collection method: clinical testing. Allele origin: germline. Affected: yes. Observed: 1 variant allele.
Comment: KRTAP4-4: BP4, BP7

NM_032524.2(KRTAP4-4):c.267A>G (p.Gln89=)

Gene: KRTAP4-4 (keratin associated protein 4-4; minus strand). Cytogenetic location: 17q21.2.
Variant type: single nucleotide variant.
Coding change: c.267A>G on transcript NM_032524.2 (MANE Select); coding-DNA position 267, A replaced by G.
Protein change: p.Gln89=; no amino-acid change (glutamine 89 retained).
Molecular consequence: synonymous variant.
Genome position (GRCh38, 1-based): chr17:41,160,425, T>C on the plus strand (A>G on the coding strand, the complement: KRTAP4-4 is on the minus strand). VCF-style: chr17-41160425-T-C. GRCh37 (hg19) VCF-style: chr17-39316677-T-C.
Identifiers: ClinVar variation 2647761 (VCV002647761.24), dbSNP rs201753814, ClinGen allele CA8553646.